The following is an entry in ClinVar:

ClinVar aggregate classification (germline): Pathogenic (1 of 4 stars; one submission).

Conditions:
Developmental and epileptic encephalopathy, 42 (DEE42A). Also called: Epileptic encephalopathy, early infantile, 42; DEVELOPMENTAL AND EPILEPTIC ENCEPHALOPATHY 42A; EPILEPTIC ENCEPHALOPATHY, EARLY INFANTILE, 42A. Identifiers: MedGen C4310716, MONDO:0014917, OMIM 617106.
Episodic ataxia type 2 (EA2). Also called: CEREBELLAR ATAXIA, PAROXYSMAL, ACETAZOLAMIDE-RESPONSIVE; CEREBELLOPATHY, HEREDITARY PAROXYSMAL; EPISODIC ATAXIA, NYSTAGMUS-ASSOCIATED; ATAXIA, EPISODIC, WITH NYSTAGMUS; ATAXIA, FAMILIAL PAROXYSMAL; ACETAZOLAMIDE-RESPONSIVE HEREDITARY PAROXYSMAL CEREBELLAR ATAXIA. Identifiers: Orphanet 97, MedGen C1720416, MONDO:0007163, OMIM 108500.

Submission:

Labcorp Genetics (formerly Invitae), Labcorp
Classification: Pathogenic for Developmental and epileptic encephalopathy, 42; Episodic ataxia type 2. Last evaluated: 2024-01-19. Review status: criteria provided, single submitter. Criteria: Invitae Variant Classification Sherloc (09022015). Collection method: clinical testing. Allele origin: germline.
Comment: This sequence change creates a premature translational stop signal (p.Met1881Trpfs*20) in the CACNA1A gene. It is expected to result in an absent or disrupted protein product. Loss-of-function variants in CACNA1A are known to be pathogenic (PMID: 10371528, 19486177, 25735478, 27250579). This variant is not present in population databases (gnomAD no frequency). This variant has not been reported in the literature in individuals affected with CACNA1A-related conditions. ClinVar contains an entry for this variant (Variation ID: 655727). For these reasons, this variant has been classified as Pathogenic.

Literature cited by the submitters: PubMed 10371528; PubMed 19486177; PubMed 25735478; PubMed 27250579.

NM_001127222.2(CACNA1A):c.5637del (p.Met1880fs)

Gene: CACNA1A (calcium voltage-gated channel subunit alpha1 A; minus strand). Cytogenetic location: 19p13.13.
Variant type: Deletion.
Coding change: c.5637del on transcript NM_001127222.2 (MANE Select); coding-DNA position 5637, one base deleted (G; older notation c.5637delG).
Protein change: p.Met1880fs; shifts the reading frame from methionine 1880.
Molecular consequence: frameshift variant.
Genome position (GRCh38, 1-based): chr19:13,224,761, C deleted on the plus strand (G on the coding strand, the reverse complement: CACNA1A is on the minus strand); the first of 2 consecutive C bases (chr19:13,224,761-13,224,762); deleting either gives the same sequence. VCF-style (leftmost placement, unchanged base first): chr19-13224760-TC-T. GRCh37 (hg19) VCF-style: chr19-13335574-TC-T.
Other names: c.5655del, p.Met1886fs (NM_000068.4, NM_023035.3); c.5640del, p.Met1881fs (NM_001127221.2); c.5646del, p.Met1883fs (NM_001174080.2); c.5640delG (NM_001127221.1); short protein forms M1880fs, M1881fs, M1883fs, M1886fs.
Identifiers: ClinVar variation 655727 (VCV000655727.7), dbSNP rs1600114562, ClinGen allele CA915952915.